The following is an entry in ClinVar:

NM_001267550.2(TTN):c.17225T>C (p.Leu5742Pro)

Genes: TTN (titin; minus strand), LOC126806431 (CDK7 strongly-dependent group 2 enhancer GRCh37_chr2:179595719-179596918; plus strand). Cytogenetic location: 2q31.2.
Variant type: single nucleotide variant.
Coding change: c.17225T>C on transcript NM_001267550.2 (MANE Select); coding-DNA position 17225, T replaced by C.
Protein change: p.Leu5742Pro; replaces leucine 5742 with proline.
Molecular consequence: missense variant. On other transcripts: intron variant (3).
Genome position (GRCh38, 1-based): chr2:178,731,541, A>G on the plus strand (T>C on the coding strand, the complement: TTN is on the minus strand). VCF-style: chr2-178731541-A-G. GRCh37 (hg19) VCF-style: chr2-179596268-A-G.
Other names: c.13493T>C, p.Leu4498Pro (NM_133378.4); c.13282+6541T>C (NM_003319.4); c.13858+6541T>C (NM_133437.4); c.13657+6541T>C (NM_133432.3); c.16274T>C, p.Leu5425Pro (NM_001256850.1); short protein forms L4498P, L5425P, L5742P.
Identifiers: ClinVar variation 4687403 (VCV004687403.2).
Genomic context (GRCh38, chr2:178,731,541, plus strand): 5'-GTCACCGTAATTGGCAAGGAGCCCTTCAGAGTGGCCTGGAAGGCAGCTGTGCCTCCCCGG[A>G]GGGAGCTGGTACTCTCGATCTTCTTTATGAAGGATGGGGGTTCTAACAGAAGAATGAATT-3'
Protein context (NP_001254479.2, residues 5732-5752): FIKKIESTSS[Leu5742Pro]RGGTAAFQAT

ClinVar aggregate classification (germline): Uncertain significance. Review status: criteria provided, multiple submitters, no conflicts (2 of 4 stars). 2 submissions from 2 submitters: Uncertain significance (2). Last evaluated 2026-07-15.

Conditions:
TTN-related disorder. Also called: TTN-related condition; TTN-related disease; TTN-related disorders.

gnomAD v4.1: 6 of 1,612,572 alleles (0.00037%); highest among the groups gnomAD compares: African/African-American, 0.008%; no homozygotes.

Submissions (2):

PreventionGenetics, part of Exact Sciences
Classification: Uncertain significance for TTN-related condition. Last evaluated: 2026-07-15. Review status: criteria provided, single submitter. Criteria: ACMG Guidelines, 2015. Collection method: clinical testing. Allele origin: germline.
Comment: The TTN c.17225T>C variant is predicted to result in the amino acid substitution p.Leu5742Pro. To our knowledge, this variant has not been reported in the literature. This variant is reported in 0.0083% of alleles in individuals of African descent in gnomAD. At this time, the clinical significance of this variant is uncertain due to the absence of conclusive functional and genetic evidence.

Women's Health and Genetics/Laboratory Corporation of America, LabCorp
Classification: Uncertain significance. Last evaluated: 2025-10-09. Review status: criteria provided, single submitter. Criteria: LabCorp Variant Classification Summary - May 2015. Collection method: clinical testing. Allele origin: germline.
Comment: Variant summary: TTN c.13493T>C (p.Leu4498Pro) results in a non-conservative amino acid change in the encoded protein sequence. Algorithms developed to predict the effect of missense changes on protein structure and function are either unavailable or do not agree on the potential impact of this missense change. The variant allele was found at a frequency of 4e-06 in 247192 control chromosomes. The available data on variant occurrences in the general population are insufficient to allow any conclusion about variant significance. To our knowledge, no occurrence of c.13493T>C in individuals affected with TTN-related conditions and no experimental evidence demonstrating its impact on protein function have been reported. No submitters have cited clinical-significance assessments for this variant to ClinVar. Based on the evidence outlined above, the variant was classified as uncertain significance.